The following is an entry in ClinVar:

ClinVar aggregate classification (germline): Uncertain significance (1 of 4 stars; one submission).

Conditions:
Charcot-Marie-Tooth disease axonal type 2O. Also called: Charcot-Marie-Tooth disease, axonal, type 20; CHARCOT-MARIE-TOOTH NEUROPATHY, AXONAL, TYPE 2O; CHARCOT-MARIE-TOOTH DISEASE, AXONAL, AUTOSOMAL DOMINANT, TYPE 2O; Charcot-Marie-Tooth Neuropathy Type 2O. Identifiers: Orphanet 284232, MedGen C3280220, MONDO:0013644, OMIM 614228.

Submission:

Labcorp Genetics (formerly Invitae), Labcorp
Classification: Uncertain significance for Charcot-Marie-Tooth disease axonal type 2O. Last evaluated: 2025-06-01. Review status: criteria provided, single submitter. Criteria: Invitae Variant Classification Sherloc (09022015). Collection method: clinical testing. Allele origin: germline.
Comment: This sequence change replaces glycine, which is neutral and non-polar, with glutamic acid, which is acidic and polar, at codon 3657 of the DYNC1H1 protein (p.Gly3657Glu). This variant is not present in population databases (gnomAD no frequency). This variant has not been reported in the literature in individuals affected with DYNC1H1-related conditions. Invitae Evidence Modeling of protein sequence and biophysical properties (such as structural, functional, and spatial information, amino acid conservation, physicochemical variation, residue mobility, and thermodynamic stability) indicates that this missense variant is expected to disrupt DYNC1H1 protein function with a positive predictive value of 95%. In summary, the available evidence is currently insufficient to determine the role of this variant in disease. Therefore, it has been classified as a Variant of Uncertain Significance.

NM_001376.5(DYNC1H1):c.10970G>A (p.Gly3657Glu)

Gene: DYNC1H1 (dynein cytoplasmic 1 heavy chain 1; plus strand). Cytogenetic location: 14q32.31.
Variant type: single nucleotide variant.
Coding change: c.10970G>A on transcript NM_001376.5 (MANE Select); coding-DNA position 10970, G replaced by A.
Protein change: p.Gly3657Glu; replaces glycine 3657 with glutamic acid.
Molecular consequence: missense variant.
Genome position (GRCh38, 1-based): chr14:102,038,521, G>A. VCF-style: chr14-102038521-G-A. GRCh37 (hg19) VCF-style: chr14-102504858-G-A.
Other names: short protein forms G3657E.
Identifiers: ClinVar variation 4777715 (VCV004777715.1).